The following is an entry in ClinVar:

NM_000256.3(MYBPC3):c.1898-15T>C

Gene: MYBPC3 (myosin binding protein C3; minus strand). Cytogenetic location: 11p11.2.
Variant type: single nucleotide variant.
Coding change: c.1898-15T>C on transcript NM_000256.3 (MANE Select); 15 bases into the intron before coding-DNA position 1898, T replaced by C.
Molecular consequence: intron variant.
Genome position (GRCh38, 1-based): chr11:47,341,047, A>G on the plus strand (T>C on the coding strand, the complement: MYBPC3 is on the minus strand). VCF-style: chr11-47341047-A-G. GRCh37 (hg19) VCF-style: chr11-47362598-A-G.
Identifiers: ClinVar variation 3074252 (VCV003074252.2), dbSNP rs755790202, ClinGen allele CA078381.

ClinVar aggregate classification (germline): Likely benign. Review status: criteria provided, multiple submitters, no conflicts (2 of 4 stars). 2 submissions from 2 submitters: Likely benign (2). Last evaluated 2025-12-22.

Conditions:
Hypertrophic cardiomyopathy. Also called: HYPERTROPHIC MYOCARDIOPATHY. Identifiers: Orphanet 217569, MedGen C0007194, MeSH D002312, MONDO:0005045, HP:0001639.

Allele frequency attached by ClinVar (database versions not stated): gnomAD exomes below 0.00001; ExAC 0.00002.
gnomAD v4.1: 1 of 1,575,738 alleles (0.000063%); highest among the groups gnomAD compares: Admixed American, 0.0018%; no homozygotes.

Submissions (2):

Labcorp Genetics (formerly Invitae), Labcorp
Classification: Likely benign for Hypertrophic cardiomyopathy. Last evaluated: 2025-12-22. Review status: criteria provided, single submitter. Criteria: Invitae Variant Classification Sherloc (09022015). Collection method: clinical testing. Allele origin: germline.

All of Us Research Program, National Institutes of Health
Classification: Likely benign for Hypertrophic cardiomyopathy. Last evaluated: 2023-11-02. Review status: criteria provided, single submitter. Criteria: ACMG Guidelines, 2015. Collection method: clinical testing. Allele origin: germline. Inheritance: Autosomal dominant inheritance. Observed: 1 variant allele, 1 heterozygote.
Comment: This study involves interpretation of variants in research participants for the purpose of population health screening. Participant phenotype was not available at the time of variant classification. Additional details can be found in publication PMID: 35346344, PMCID: PMC8962531